The following is an entry in ClinVar:

NM_032444.4(SLX4):c.4780A>C (p.Lys1594Gln)

Gene: SLX4 (SLX4 structure-specific endonuclease subunit; minus strand). Cytogenetic location: 16p13.3.
Variant type: single nucleotide variant.
Coding change: c.4780A>C on transcript NM_032444.4 (MANE Select); coding-DNA position 4780, A replaced by C.
Protein change: p.Lys1594Gln; replaces lysine 1594 with glutamine.
Molecular consequence: missense variant.
Genome position (GRCh38, 1-based): chr16:3,583,470, T>G on the plus strand (A>C on the coding strand, the complement: SLX4 is on the minus strand). VCF-style: chr16-3583470-T-G. GRCh37 (hg19) VCF-style: chr16-3633471-T-G.
Other names: short protein forms K1594Q.
Identifiers: ClinVar variation 1354036 (VCV001354036.8), dbSNP rs1567166631, ClinGen allele CA394515477.
Genomic context (GRCh38, chr16:3,583,470, plus strand): 5'-TCTCGTCCTCGGAGTCTGAGTCCAGGGTCTGGTGAGTGTACTGGAATATCTCCTTCAGCT[T>G]CAGAACCATCTGGCGTTTAGGCAGAGGGCGGACTCCAAACCTGACGGAGGAACAGGTGGA-3'
Protein context (NP_115820.2, residues 1584-1604): RPLPKRQMVL[Lys1594Gln]LKEIFQYTHQ

ClinVar aggregate classification (germline): Uncertain significance (1 of 4 stars; one submission).

Conditions:
Fanconi anemia (FA). Also called: Fanconi's anemia. Identifiers: Orphanet 84, MedGen C0015625, MeSH D005199, MONDO:0019391.

Allele frequency attached by ClinVar (database versions not stated): gnomAD 0.00001; TOPMed 0.00001.
gnomAD v4.1: 2 of 1,614,042 alleles (0.00012%); highest among the groups gnomAD compares: African/African-American, 0.0027%; no homozygotes.

Submission:

Labcorp Genetics (formerly Invitae), Labcorp
Classification: Uncertain significance for Fanconi anemia. Last evaluated: 2021-04-13. Review status: criteria provided, single submitter. Criteria: Invitae Variant Classification Sherloc (09022015). Collection method: clinical testing. Allele origin: germline.
Comment: In summary, the available evidence is currently insufficient to determine the role of this variant in disease. Therefore, it has been classified as a Variant of Uncertain Significance. Algorithms developed to predict the effect of missense changes on protein structure and function (SIFT, PolyPhen-2, Align-GVGD) all suggest that this variant is likely to be disruptive, but these predictions have not been confirmed by published functional studies and their clinical significance is uncertain. This variant has not been reported in the literature in individuals with SLX4-related conditions. This variant is not present in population databases (ExAC no frequency). This sequence change replaces lysine with glutamine at codon 1594 of the SLX4 protein (p.Lys1594Gln). The lysine residue is highly conserved and there is a small physicochemical difference between lysine and glutamine.